The following is an entry in ClinVar:

NM_004304.5(ALK):c.3173-791C>A

Gene: ALK (ALK receptor tyrosine kinase; minus strand). Cytogenetic location: 2p23.2.
Variant type: single nucleotide variant.
Coding change: c.3173-791C>A on transcript NM_004304.5 (MANE Select); 791 bases into the intron before coding-DNA position 3173, C replaced by A.
Molecular consequence: intron variant.
Genome position (GRCh38, 1-based): chr2:29,224,319, G>T on the plus strand (C>A on the coding strand, the complement: ALK is on the minus strand). VCF-style: chr2-29224319-G-T. GRCh37 (hg19) VCF-style: chr2-29447185-G-T.
Identifiers: ClinVar variation 2650792 (VCV002650792.24), dbSNP rs35780121, ClinGen allele CA44632348.

ClinVar aggregate classification (germline): Benign (1 of 4 stars; one submission).

Allele frequency attached by ClinVar (database versions not stated): 1000 Genomes Project 30x 0.00125; 1000 Genomes Project 0.00160; TOPMed 0.00425; gnomAD 0.00527.
gnomAD v4.1: 801 of 152,258 alleles (0.53%); highest among the groups gnomAD compares: Non-Finnish European, 0.65%; 3 homozygotes.

Submission:

CeGaT Center for Human Genetics Tuebingen
Classification: Benign. Last evaluated: 2022-08-01. Review status: criteria provided, single submitter. Criteria: CeGaT Center For Human Genetics Tuebingen Variant Classification Criteria Version 2. Collection method: clinical testing. Allele origin: germline. Affected: yes. Observed: 6 variant alleles.
Comment: ALK: BS1, BS2